The following is an entry in ClinVar:

NM_005629.4(SLC6A8):c.1254+1G>A

Gene: SLC6A8 (solute carrier family 6 member 8; plus strand). Cytogenetic location: Xq28.
Variant type: single nucleotide variant.
Coding change: c.1254+1G>A on transcript NM_005629.4 (MANE Select); the canonical splice donor site of the intron after coding-DNA position 1254, G replaced by A.
Molecular consequence: splice donor variant.
Genome position (GRCh38, 1-based): chrX:153,694,018, G>A. VCF-style: chrX-153694018-G-A. GRCh37 (hg19) VCF-style: chrX-152959473-G-A.
Other names: c.1224+1G>A (NM_001142805.2); c.909+1G>A (NM_001142806.1).
Identifiers: ClinVar variation 449187 (VCV000449187.3), dbSNP rs1557045333, ClinGen allele CA415086648.

ClinVar aggregate classification (germline): Pathogenic/Likely pathogenic. Review status: criteria provided, multiple submitters, no conflicts (2 of 4 stars). 2 submissions from 2 submitters: Pathogenic (1); Likely pathogenic (1). Last evaluated 2022-02-25.

Conditions:
Creatine transporter deficiency (CCDS1). Also called: Creatine Transporter (CRTR) Deficiency; SLC6A8-Related Creatine Transporter Deficiency; CREATINE TRANSPORTER DEFECT; CEREBRAL CREATINE DEFICIENCY SYNDROME 1; Mental retardation , X-linked with seizures, short stature and midface hypoplasia; Mental retardation , X-linked, with creatine transport deficiency. Identifiers: Orphanet 52503, MedGen C1845862, MONDO:0010305, OMIM 300352.

Submissions (2):

Women's Health and Genetics/Laboratory Corporation of America, LabCorp
Classification: Likely pathogenic for Creatine transporter deficiency. Last evaluated: 2022-02-25. Review status: criteria provided, single submitter. Criteria: LabCorp Variant Classification Summary - May 2015. Collection method: clinical testing. Allele origin: germline.
Comment: Variant summary: SLC6A8 c.1254+1G>A is located in a canonical splice-site and is predicted to affect mRNA splicing resulting in a significantly altered protein due to either exon skipping, shortening, or inclusion of intronic material. Several computational tools predict a significant impact on normal splicing: Four predict the variant abolishes a canonical 5 prime splicing donor site. However, these predictions have yet to be confirmed by functional studies. The variant was absent in 143992 control chromosomes (gnomAD). c.1254+1G>A has been reported in the literature in an individual affected with Creatine Deficiency, X-Linked (example: Ardon_2016). To our knowledge, no experimental evidence demonstrating an impact on protein function has been reported. One clinical diagnostic laboratory has submitted clinical-significance assessments for this variant to ClinVar after 2014 and classified the variant as pathogenic. Based on the evidence outlined above, the variant was classified as likely pathogenic.

GeneDx
Classification: Pathogenic. Last evaluated: 2017-10-31. Review status: criteria provided, single submitter. Criteria: GeneDx Variant Classification (06012015). Collection method: clinical testing. Allele origin: germline. Affected: yes.
Comment: The c.1254+1 G>A splice site variant destroys the canonical splice donor site in intron 8. It is predicted to cause abnormal gene splicing, either leading to an abnormal message that is subject to nonsense-mediated mRNA decay, or to an abnormal protein product if the message is used for protein translation. The c.1254+1 G>A variant is not observed in large population cohorts (Lek et al., 2016).

Literature cited by the submitters: PubMed 27408820 (cited by Women's Health and Genetics/Laboratory Corporation of America, LabCorp).